The following is an entry in ClinVar:

ClinVar aggregate classification (germline): Uncertain significance (1 of 4 stars; one submission).

Allele frequency attached by ClinVar (database versions not stated): gnomAD 0.00001; gnomAD exomes 0.00002; TOPMed 0.00002; ExAC 0.00003.
gnomAD v4.1: 38 of 1,613,940 alleles (0.0024%); highest among the groups gnomAD compares: East Asian, 0.0045%; no homozygotes.

Submission:

Biesecker Lab/Clinical Genomics Section, National Institutes of Health
Classification: Uncertain significance. Last evaluated: 2013-06-24. Review status: criteria provided, single submitter. Criteria: Ng et al. (Circ Cardiovasc Genet. 2013). Collection method: research. Allele origin: unknown. Observed: 1 variant allele. Study: ClinSeq.
Comment: The study set was not selected for affection status in relation to any cancer. Pathogenicity categories were based on literature curation. See Pubmed ID:23861362 for details.

Medical sequencing

NM_000447.3(PSEN2):c.49C>T (p.Arg17Trp)

Gene: PSEN2 (presenilin 2; plus strand). Cytogenetic location: 1q42.13.
Variant type: single nucleotide variant.
Coding change: c.49C>T on transcript NM_000447.3 (MANE Select); coding-DNA position 49, C replaced by T.
Protein change: p.Arg17Trp; replaces arginine 17 with tryptophan.
Molecular consequence: missense variant.
Genome position (GRCh38, 1-based): chr1:226,881,956, C>T. VCF-style: chr1-226881956-C-T. GRCh37 (hg19) VCF-style: chr1-227069657-C-T.
Other names: c.49C>T, p.Arg17Trp (NM_012486.3); short protein forms R17W.
Identifiers: ClinVar variation 191769 (VCV000191769.1), dbSNP rs199644116, ClinGen allele CA237499.
Genomic context (GRCh38, chr1:226,881,956, plus strand): 5'-AGAGGCAGGGCTATGCTCACATTCATGGCCTCTGACAGCGAGGAAGAAGTGTGTGATGAG[C>T]GGACGTCCCTAATGTCGGCTGAGAGCCCCACGCCGCGCTCCTGCCAGGAGGGCAGGCAGG-3'
Protein context (NP_000438.2, residues 7-27): SDSEEEVCDE[Arg17Trp]TSLMSAESPT